The following is an entry in ClinVar:

ClinVar aggregate classification (germline): Uncertain significance (1 of 4 stars; one submission).

Conditions:
Neurofibromatosis, type 1 (NF1). Also called: Neurofibromatosis, type I; VON RECKLINGHAUSEN DISEASE; Peripheral type neurofibromatosis; NEUROFIBROMATOSIS, TYPE I, SOMATIC. Identifiers: Orphanet 636, MedGen C0027831, MONDO:0018975, OMIM 162200. Disease mechanism: loss of function.

Submission:

Labcorp Genetics (formerly Invitae), Labcorp
Classification: Uncertain significance for Neurofibromatosis, type 1. Last evaluated: 2023-03-24. Review status: criteria provided, single submitter. Criteria: Invitae Variant Classification Sherloc (09022015). Collection method: clinical testing. Allele origin: germline.
Comment: This variant is not present in population databases (gnomAD no frequency). In summary, the available evidence is currently insufficient to determine the role of this variant in disease. Therefore, it has been classified as a Variant of Uncertain Significance. Advanced modeling of protein sequence and biophysical properties (such as structural, functional, and spatial information, amino acid conservation, physicochemical variation, residue mobility, and thermodynamic stability) has been performed at Invitae for this missense variant, however the output from this modeling did not meet the statistical confidence thresholds required to predict the impact of this variant on NF1 protein function. ClinVar contains an entry for this variant (Variation ID: 850721). This variant has not been reported in the literature in individuals affected with NF1-related conditions. This sequence change replaces proline, which is neutral and non-polar, with threonine, which is neutral and polar, at codon 1442 of the NF1 protein (p.Pro1442Thr).

NM_001042492.3(NF1):c.4387C>A (p.Pro1463Thr)

Gene: NF1 (neurofibromin 1; plus strand). Cytogenetic location: 17q11.2.
Variant type: single nucleotide variant.
Coding change: c.4387C>A on transcript NM_001042492.3 (MANE Select); coding-DNA position 4387, C replaced by A.
Protein change: p.Pro1463Thr; replaces proline 1463 with threonine.
Molecular consequence: missense variant.
Genome position (GRCh38, 1-based): chr17:31,259,086, C>A. VCF-style: chr17-31259086-C-A. GRCh37 (hg19) VCF-style: chr17-29586104-C-A.
Other names: c.4324C>A, p.Pro1442Thr (NM_000267.4); short protein forms P1442T, P1463T.
Identifiers: ClinVar variation 850721 (VCV000850721.8), dbSNP rs1597745703, ClinGen allele CA398998864.